The following is an entry in ClinVar:

NC_000023.10:g.(32717411_32827609)_(32867938_33038255)del

Gene: DMD (dystrophin; minus strand). Cytogenetic location: Xp21.1.
Variant type: Deletion.
Identifiers: ClinVar variation 996226 (VCV000996226.1).

ClinVar aggregate classification (germline): Pathogenic (1 of 4 stars; one submission).

Conditions:
Neuromuscular disease caused by qualitative or quantitative defects of dystrophin. Also called: Qualitative or quantitative defects of dystrophin. Identifiers: Orphanet 207085, MedGen C5679787, MONDO:0016147.

Submission:

Women's Health and Genetics/Laboratory Corporation of America, LabCorp
Classification: Pathogenic for Neuromuscular disease caused by qualitative or quantitative defects of dystrophin. Last evaluated: 2021-01-14. Review status: criteria provided, single submitter. Criteria: LabCorp Variant Classification Summary - May 2015. Collection method: clinical testing. Allele origin: germline.
Comment: Variant summary: The variant identified by MLPA or other technology involves the deletion of exons 3-7 in the DMD gene. A presumed nomenclature of c.(93+1_94-1)_(649+1_650-1)del has been designated for the purposes of this classification. Although exact breakpoints of this deletion are not known, it is expected to result in a frameshift deletion change in the DMD gene, a known mechanism of disease. The variant was absent in about 15000 control chromosomes (gnomAD, structural variants dataset). The variant, c.(93+1_94-1)_(649+1_650-1)del, has been reported in the literature in numerous individuals affected with Duchenne- (DMD) or Becker muscular dystrophy (BMD) (see e.g. del Gaudio_2008, Ankala_2012, Ishmukhametova_2012, Polavarapu_2019, and in the UMD-DMD database). It has been proposed that the associated phenotype variability could be explained by the (partial) evasion of nonsense-mediated decay and alternate translational initiation (see e.g. in Winnard_1995, Echigoya_2018). These data indicate that the variant is very likely to be associated with disease. To our knowledge, no experimental evidence demonstrating an impact on protein function has been reported. At least one clinical diagnostic laboratory has submitted clinical-significance assessments for this variant to ClinVar after 2014, and classified the variant as pathogenic. Based on the evidence outlined above, the variant was classified as pathogenic.

Literature cited by the submitters: PubMed 22090376; PubMed 18752307; PubMed 31139960; PubMed 22510846; PubMed 30544634; PubMed 7825572.